The following is an entry in ClinVar:

NM_002299.4(LCT):c.966T>C (p.Cys322=)

Genes: LCT (lactase; minus strand), LCT-AS1 (LCT antisense RNA 1; plus strand). Cytogenetic location: 2q21.3.
Variant type: single nucleotide variant.
Coding change: c.966T>C on transcript NM_002299.4 (MANE Select); coding-DNA position 966, T replaced by C.
Protein change: p.Cys322=; no amino-acid change (cysteine 322 retained).
Molecular consequence: synonymous variant. On other transcripts: non-coding transcript variant (1).
Genome position (GRCh38, 1-based): chr2:135,822,040, A>G on the plus strand (T>C on the coding strand, the complement: LCT is on the minus strand). VCF-style: chr2-135822040-A-G. GRCh37 (hg19) VCF-style: chr2-136579610-A-G.
Other names: c.966T>C (NM_002299.3).
Identifiers: ClinVar variation 1583161 (VCV001583161.11), dbSNP rs781555422, ClinGen allele CA1888477.

ClinVar aggregate classification (germline): Likely benign. Review status: criteria provided, multiple submitters, no conflicts (2 of 4 stars). 3 submissions from 3 submitters: Likely benign (2). 1 of the submissions does not count toward it. Last evaluated 2026-01-23.

Conditions:
LCT-related disorder. Also called: LCT-related condition.

Allele frequency attached by ClinVar (database versions not stated): TOPMed 0.00009; ExAC 0.00010; gnomAD exomes 0.00010 and 0.00011; gnomAD 0.00013 and 0.00015.
gnomAD v4.1: 165 of 1,605,212 alleles (0.01%); highest among the groups gnomAD compares: South Asian, 0.042%; no homozygotes.

Submissions (3):

Labcorp Genetics (formerly Invitae), Labcorp
Classification: Likely benign. Last evaluated: 2026-01-23. Review status: criteria provided, single submitter. Criteria: Invitae Variant Classification Sherloc (09022015). Collection method: clinical testing. Allele origin: germline.

Blueprint Genetics
Classification: Likely benign. Last evaluated: 2024-08-05. Review status: criteria provided, single submitter. Criteria: ACMG Guidelines, 2015. Collection method: clinical testing. Allele origin: germline.

PreventionGenetics, part of Exact Sciences
Classification: Likely benign for LCT-related condition. Last evaluated: 2019-11-22. Review status: no assertion criteria provided. Collection method: clinical testing. Allele origin: germline. Not counted in ClinVar's aggregate classification.
Comment: This variant is classified as likely benign based on ACMG/AMP sequence variant interpretation guidelines (Richards et al. 2015 PMID: 25741868, with internal and published modifications).